The following is an entry in ClinVar:

NM_022124.6(CDH23):c.9320-93C>G

Gene: CDH23 (cadherin related 23; plus strand). Cytogenetic location: 10q22.1.
Variant type: single nucleotide variant.
Coding change: c.9320-93C>G on transcript NM_022124.6 (MANE Select); 93 bases into the intron before coding-DNA position 9320, C replaced by G.
Molecular consequence: intron variant.
Genome position (GRCh38, 1-based): chr10:71,811,862, C>G. VCF-style: chr10-71811862-C-G. GRCh37 (hg19) VCF-style: chr10-73571619-C-G.
Other names: c.2600-93C>G (NM_001171933.1, NM_001171934.1).
Identifiers: ClinVar variation 678798 (VCV000678798.2), dbSNP rs41281340, ClinGen allele CA16394107.

ClinVar aggregate classification (germline): Benign. Review status: criteria provided, multiple submitters, no conflicts (2 of 4 stars). 2 submissions from 2 submitters: Benign (2). Last evaluated 2018-06-13.

Allele frequency attached by ClinVar (database versions not stated): gnomAD 0.13929 and 0.14144; TOPMed 0.15838; 1000 Genomes Project 30x 0.20362; 1000 Genomes Project 0.20547.
gnomAD v4.1: 180,708 of 1,590,018 alleles (11%); highest among the groups gnomAD compares: East Asian, 39%; 13,845 homozygotes.

Submissions (2):

GeneDx
Classification: Benign. Last evaluated: 2018-06-13. Review status: criteria provided, single submitter. Criteria: GeneDx Variant Classification (06012015). Collection method: clinical testing. Allele origin: germline. Affected: yes.
Comment: This variant is considered likely benign or benign based on one or more of the following criteria: it is a conservative change, it occurs at a poorly conserved position in the protein, it is predicted to be benign by multiple in silico algorithms, and/or has population frequency not consistent with disease.

Breakthrough Genomics
Classification: Benign. Review status: criteria provided, single submitter. Criteria: ACMG Guidelines, 2015. Collection method: not provided. Allele origin: germline. Inheritance: Autosomal recessive inheritance. Affected: yes.